The following is an entry in ClinVar:

NM_005219.5(DIAPH1):c.2303C>T (p.Thr768Ile)

Gene: DIAPH1 (diaphanous related formin 1; minus strand). Cytogenetic location: 5q31.3.
Variant type: single nucleotide variant.
Coding change: c.2303C>T on transcript NM_005219.5 (MANE Select); coding-DNA position 2303, C replaced by T.
Protein change: p.Thr768Ile; replaces threonine 768 with isoleucine.
Molecular consequence: missense variant.
Genome position (GRCh38, 1-based): chr5:141,573,547, G>A on the plus strand (C>T on the coding strand, the complement: DIAPH1 is on the minus strand). VCF-style: chr5-141573547-G-A. GRCh37 (hg19) VCF-style: chr5-140953114-G-A.
Other names: c.2276C>T, p.Thr759Ile (NM_001079812.3); c.2303C>T, p.Thr768Ile (NM_001314007.2); short protein forms T759I, T768I.
Identifiers: ClinVar variation 2575822 (VCV002575822.4), dbSNP rs552373013, ClinGen allele CA3479122.

ClinVar aggregate classification (germline): Uncertain significance. Review status: criteria provided, multiple submitters, no conflicts (2 of 4 stars). 2 submissions from 2 submitters: Uncertain significance (2). Last evaluated 2025-07-18.

Conditions:
Autosomal dominant nonsyndromic hearing loss 1. Also called: DEAFNESS, AUTOSOMAL DOMINANT 1, WITH OR WITHOUT THROMBOCYTOPENIA; KONIGSMARK SYNDROME. Identifiers: Orphanet 90635, MedGen C1852282, MONDO:0007424, OMIM 124900.
Progressive microcephaly-seizures-cortical blindness-developmental delay syndrome. Also called: Seizures, cortical blindness, and microcephaly syndrome. Identifiers: Orphanet 477814, MedGen C5567650, MONDO:0014714, OMIM 616632.

Allele frequency attached by ClinVar (database versions not stated): gnomAD exomes below 0.00001; ExAC 0.00001; gnomAD 0.00001; 1000 Genomes Project 0.00020; 1000 Genomes Project 30x 0.00031.
gnomAD v4.1: 2 of 1,614,050 alleles (0.00012%); highest among the groups gnomAD compares: South Asian, 0.0011%; no homozygotes.

Submissions (2):

Labcorp Genetics (formerly Invitae), Labcorp
Classification: Uncertain significance for Progressive microcephaly-seizures-cortical blindness-developmental delay syndrome; Autosomal dominant nonsyndromic hearing loss 1. Last evaluated: 2025-07-18. Review status: criteria provided, single submitter. Criteria: Invitae Variant Classification Sherloc (09022015). Collection method: clinical testing. Allele origin: germline.
Comment: This sequence change replaces threonine, which is neutral and polar, with isoleucine, which is neutral and non-polar, at codon 768 of the DIAPH1 protein (p.Thr768Ile). This variant is present in population databases (rs552373013, gnomAD 0.003%). This variant has not been reported in the literature in individuals affected with DIAPH1-related conditions. ClinVar contains an entry for this variant (Variation ID: 2575822). An algorithm developed to predict the effect of missense changes on protein structure and function (PolyPhen-2) suggests that this variant is likely to be tolerated. In summary, the available evidence is currently insufficient to determine the role of this variant in disease. Therefore, it has been classified as a Variant of Uncertain Significance.

GeneDx
Classification: Uncertain significance. Last evaluated: 2023-02-13. Review status: criteria provided, single submitter. Criteria: GeneDx Variant Classification Process June 2021. Collection method: clinical testing. Allele origin: germline. Affected: yes.
Comment: Not observed at significant frequency in large population cohorts (gnomAD); In silico analysis supports that this missense variant does not alter protein structure/function; Has not been previously published as pathogenic or benign to our knowledge